The following is an entry in ClinVar:

ClinVar aggregate classification (germline): Uncertain significance (1 of 4 stars; one submission).

Submission:

Ambry Genetics
Classification: Uncertain significance. Last evaluated: 2023-04-19. Review status: criteria provided, single submitter. Criteria: Ambry Variant Classification Scheme 2023. Collection method: clinical testing. Allele origin: germline.
Comment: The p.K1573E variant (also known as c.4717A>G), located in coding exon 36 of the PRKDC gene, results from an A to G substitution at nucleotide position 4717. The lysine at codon 1573 is replaced by glutamic acid, an amino acid with similar properties. This amino acid position is conserved. In addition, this alteration is predicted to be tolerated by in silico analysis. Since supporting evidence is limited at this time, the clinical significance of this alteration remains unclear.

NM_006904.7(PRKDC):c.4717A>G (p.Lys1573Glu)

Gene: PRKDC (protein kinase, DNA-activated, catalytic subunit; minus strand). Cytogenetic location: 8q11.21.
Variant type: single nucleotide variant.
Coding change: c.4717A>G on transcript NM_006904.7 (MANE Select); coding-DNA position 4717, A replaced by G.
Protein change: p.Lys1573Glu; replaces lysine 1573 with glutamic acid.
Molecular consequence: missense variant.
Genome position (GRCh38, 1-based): chr8:47,886,003, T>C on the plus strand (A>G on the coding strand, the complement: PRKDC is on the minus strand). VCF-style: chr8-47886003-T-C. GRCh37 (hg19) VCF-style: chr8-48798564-T-C.
Other names: c.4717A>G, p.Lys1573Glu (NM_001081640.2); short protein forms K1573E.
Identifiers: ClinVar variation 2564526 (VCV002564526.2), dbSNP rs2089319985, ClinGen allele CA371142863.